The following is an entry in ClinVar:

NM_001261826.3(AP3D1):c.589C>T (p.Pro197Ser)

Gene: AP3D1 (adaptor related protein complex 3 subunit delta 1; minus strand). Cytogenetic location: 19p13.3.
Variant type: single nucleotide variant.
Coding change: c.589C>T on transcript NM_001261826.3 (MANE Select); coding-DNA position 589, C replaced by T.
Protein change: p.Pro197Ser; replaces proline 197 with serine.
Molecular consequence: missense variant.
Genome position (GRCh38, 1-based): chr19:2,130,411, G>A on the plus strand (C>T on the coding strand, the complement: AP3D1 is on the minus strand). VCF-style: chr19-2130411-G-A. GRCh37 (hg19) VCF-style: chr19-2130410-G-A.
Other names: c.589C>T, p.Pro197Ser (NM_001374799.1, NM_003938.8); short protein forms P197S.
Identifiers: ClinVar variation 2849971 (VCV002849971.3), dbSNP rs759925313, ClinGen allele CA9059670.
Genomic context (GRCh38, chr19:2,130,411, plus strand): 5'-CAGGGCACCGGCTGAGCCCCCACCCTCAACCCTGAGGCTTAACTCAAATCCACAAACCGG[G>A]GTCGGGGTCCTCCAGCTTCTCCTTCAGCCGGGGAAAGGCAGGGCGCAGCGACTCGGGGTA-3'
Protein context (NP_001248755.1, residues 187-207): RLKEKLEDPD[Pro197Ser]GVQSAAVNVI

ClinVar aggregate classification (germline): Uncertain significance (1 of 4 stars; one submission).

Allele frequency attached by ClinVar (database versions not stated): TOPMed below 0.00001; ExAC 0.00001; gnomAD exomes 0.00001.
gnomAD v4.1: 11 of 1,613,940 alleles (0.00068%); highest among the groups gnomAD compares: South Asian, 0.0099%; no homozygotes.

Submission:

Labcorp Genetics (formerly Invitae), Labcorp
Classification: Uncertain significance. Last evaluated: 2023-03-27. Review status: criteria provided, single submitter. Criteria: Invitae Variant Classification Sherloc (09022015). Collection method: clinical testing. Allele origin: germline.
Comment: In summary, the available evidence is currently insufficient to determine the role of this variant in disease. Therefore, it has been classified as a Variant of Uncertain Significance. An algorithm developed to predict the effect of missense changes on protein structure and function (PolyPhen-2) suggests that this variant is likely to be tolerated. This variant has not been reported in the literature in individuals affected with AP3D1-related conditions. This variant is present in population databases (rs759925313, gnomAD 0.01%). This sequence change replaces proline, which is neutral and non-polar, with serine, which is neutral and polar, at codon 197 of the AP3D1 protein (p.Pro197Ser).